The following is an entry in ClinVar:

ClinVar aggregate classification (germline): Uncertain significance. Review status: criteria provided, multiple submitters, no conflicts (2 of 4 stars). 3 submissions from 3 submitters: Uncertain significance (3). Last evaluated 2026-04-13.

Conditions:
TTC21B-related disorder. Also called: TTC21B-related disorders; TTC21B-related condition.
Asphyxiating thoracic dystrophy 4 (SRTD4). Also called: SHORT-RIB THORACIC DYSPLASIA 4 WITH OR WITHOUT POLYDACTYLY; SHORT-RIB THORACIC DYSPLASIA 4. Identifiers: Orphanet 474, MedGen C3151185, MONDO:0013441, OMIM 613819.
Nephronophthisis 12 (NPHP12). Identifiers: Orphanet 655, MedGen C3151186, MONDO:0013442, OMIM 613820.
Jeune thoracic dystrophy. Also called: Jeune syndrome; Short-rib thoracic dysplasia; Infantile thoracic dystrophy; Thoracic pelvic phalangeal dystrophy; Jeune's syndrome; Chondroectodermal dysplasia-like syndrome. Identifiers: Orphanet 474, MedGen C0265275, MONDO:0018770.
Nephronophthisis. Also called: Juvenile Nephronophthisis. Identifiers: Orphanet 655, MedGen C0687120, MONDO:0019005, HP:0000090.

Allele frequency attached by ClinVar (database versions not stated): gnomAD exomes below 0.00001; gnomAD 0.00001; TOPMed 0.00001.
gnomAD v4.1: 8 of 1,614,052 alleles (0.0005%); highest among the groups gnomAD compares: Non-Finnish European, 0.00068%; no homozygotes.

Submissions (3):

PreventionGenetics, part of Exact Sciences
Classification: Uncertain significance for TTC21B-related condition. Last evaluated: 2026-04-13. Review status: criteria provided, single submitter. Criteria: ACMG Guidelines, 2015. Collection method: clinical testing. Allele origin: germline.
Comment: The TTC21B c.3562T>C variant is predicted to result in the amino acid substitution p.Trp1188Arg. To our knowledge, this variant has not been reported in the literature. This variant is reported in 0.00088% of alleles in individuals of European (Non-Finnish) descent in gnomAD. At this time, the clinical significance of this variant is uncertain due to the absence of conclusive functional and genetic evidence.

Labcorp Genetics (formerly Invitae), Labcorp
Classification: Uncertain significance for Jeune thoracic dystrophy; Nephronophthisis. Last evaluated: 2025-09-08. Review status: criteria provided, single submitter. Criteria: Invitae Variant Classification Sherloc (09022015). Collection method: clinical testing. Allele origin: germline.
Comment: This sequence change replaces tryptophan, which is neutral and slightly polar, with arginine, which is basic and polar, at codon 1188 of the TTC21B protein (p.Trp1188Arg). This variant is present in population databases (no rsID available, gnomAD 0.0009%). This variant has not been reported in the literature in individuals affected with TTC21B-related conditions. ClinVar contains an entry for this variant (Variation ID: 1896546). Invitae Evidence Modeling of protein sequence and biophysical properties (such as structural, functional, and spatial information, amino acid conservation, physicochemical variation, residue mobility, and thermodynamic stability) has been performed for this missense variant. However, the output from this modeling did not meet the statistical confidence thresholds required to predict the impact of this variant on TTC21B protein function. In summary, the available evidence is currently insufficient to determine the role of this variant in disease. Therefore, it has been classified as a Variant of Uncertain Significance.

Fulgent Genetics
Classification: Uncertain significance for Asphyxiating thoracic dystrophy 4; Nephronophthisis 12. Last evaluated: 2024-01-14. Review status: criteria provided, single submitter. Criteria: ACMG Guidelines, 2015. Collection method: clinical testing. Allele origin: germline.

NM_024753.5(TTC21B):c.3562T>C (p.Trp1188Arg)

Gene: TTC21B (tetratricopeptide repeat domain 21B; minus strand). Cytogenetic location: 2q24.3.
Variant type: single nucleotide variant.
Coding change: c.3562T>C on transcript NM_024753.5 (MANE Select); coding-DNA position 3562, T replaced by C.
Protein change: p.Trp1188Arg; replaces tryptophan 1188 with arginine.
Molecular consequence: missense variant.
Genome position (GRCh38, 1-based): chr2:165,883,916, A>G on the plus strand (T>C on the coding strand, the complement: TTC21B is on the minus strand). VCF-style: chr2-165883916-A-G. GRCh37 (hg19) VCF-style: chr2-166740426-A-G.
Other names: c.3562T>C (NM_024753.4); short protein forms W1188R.
Identifiers: ClinVar variation 1896546 (VCV001896546.7), dbSNP rs1444587317, ClinGen allele CA349046955.